The following is an entry in ClinVar:

ClinVar aggregate classification (germline): Uncertain significance. Review status: criteria provided, multiple submitters, no conflicts (2 of 4 stars). 2 submissions from 2 submitters: Uncertain significance (2). Last evaluated 2026-02-27.

Conditions:
Hereditary cancer-predisposing syndrome. Also called: Hereditary neoplastic syndrome; Tumor predisposition; Neoplastic Syndromes, Hereditary; Hereditary Cancer Syndrome. Identifiers: Orphanet 140162, MedGen C0027672, MeSH D009386, MONDO:0015356.
Familial cancer of breast. Also called: Hereditary breast cancer; hereditary breast carcinoma; BREAST CANCER, FAMILIAL. Identifiers: Orphanet 227535, MedGen C0346153, MONDO:0016419, OMIM 114480. Disease mechanism: loss of function.

Submissions (2):

Ambry Genetics
Classification: Uncertain significance for Hereditary cancer-predisposing syndrome. Last evaluated: 2026-02-27. Review status: criteria provided, single submitter. Criteria: Ambry Variant Classification Scheme 2023. Collection method: clinical testing. Allele origin: germline.
Comment: The c.909-4delT intronic variant, located in intron 7 of the CHEK2 gene, results from a deletion of one nucleotide within intron 7 of the CHEK2 gene. This nucleotide position is well conserved in available vertebrate species. In silico splice site analysis predicts that this alteration may weaken the native splice acceptor site and will result in the creation or strengthening of a novel splice acceptor site. Since supporting evidence is limited at this time, the clinical significance of this alteration remains unclear.

Labcorp Genetics (formerly Invitae), Labcorp
Classification: Uncertain significance for Familial cancer of breast. Last evaluated: 2024-11-24. Review status: criteria provided, single submitter. Criteria: Invitae Variant Classification Sherloc (09022015). Collection method: clinical testing. Allele origin: germline.
Comment: This sequence change falls in intron 8 of the CHEK2 gene. It does not directly change the encoded amino acid sequence of the CHEK2 protein. This variant is not present in population databases (gnomAD no frequency). This variant has not been reported in the literature in individuals affected with CHEK2-related conditions. ClinVar contains an entry for this variant (Variation ID: 1398139). RNA analysis provides insufficient evidence to determine the effect of this variant on CHEK2 splicing (internal data). In summary, the available evidence is currently insufficient to determine the role of this variant in disease. Therefore, it has been classified as a Variant of Uncertain Significance.

NM_007194.4(CHEK2):c.909-4del

Gene: CHEK2 (checkpoint kinase 2; minus strand). Cytogenetic location: 22q12.1.
Variant type: Deletion.
Coding change: c.909-4del on transcript NM_007194.4 (MANE Select); 4 bases into the intron before coding-DNA position 909, one base deleted (T; older notation c.909-4delT).
Molecular consequence: intron variant.
Genome position (GRCh38, 1-based): chr22:28,699,941, A deleted on the plus strand (T on the coding strand, the reverse complement: CHEK2 is on the minus strand); the first of 3 consecutive A bases (chr22:28,699,941-28,699,943); deleting any one gives the same sequence. VCF-style (leftmost placement, unchanged base first): chr22-28699940-GA-G. GRCh37 (hg19) VCF-style: chr22-29095928-GA-G.
Other names: c.909-4delT (NM_007194.3); c.246-4del (NM_001437942.1, NM_001257387.3); c.708-4del (NM_001349956.3); c.909-4del (NM_145862.3); c.1002-4del (NM_001438295.1, NM_001438293.1); c.1038-4del (NM_001438294.1, NM_001005735.3).
Identifiers: ClinVar variation 1398139 (VCV001398139.8), dbSNP rs2145845390, ClinGen allele CA2573158031.